The following is an entry in ClinVar:

ClinVar aggregate classification (germline): Uncertain significance (1 of 4 stars; one submission).

Conditions:
Sphingolipid activator protein 1 deficiency. Also called: Metachromatic leukodystrophy due to saposin B deficiency; Saposin B Deficiency; METACHROMATIC LEUKODYSTROPHY DUE TO CEREBROSIDE SULFATASE ACTIVATOR DEFICIENCY. Identifiers: Orphanet 512, MedGen C0268262, MONDO:0009590, OMIM 249900.

Submission:

Labcorp Genetics (formerly Invitae), Labcorp
Classification: Uncertain significance for Sphingolipid activator protein 1 deficiency. Last evaluated: 2022-01-13. Review status: criteria provided, single submitter. Criteria: Invitae Variant Classification Sherloc (09022015). Collection method: clinical testing. Allele origin: germline.
Comment: This sequence change replaces valine with methionine at codon 361 of the PSAP protein (p.Val361Met). The valine residue is moderately conserved and there is a small physicochemical difference between valine and methionine. This variant is not present in population databases (gnomAD no frequency). This variant has not been reported in the literature in individuals affected with PSAP-related conditions. Algorithms developed to predict the effect of missense changes on protein structure and function are either unavailable or do not agree on the potential impact of this missense change (SIFT: "Not Available"; PolyPhen-2: "Possibly Damaging"; Align-GVGD: "Not Available"). In summary, the available evidence is currently insufficient to determine the role of this variant in disease. Therefore, it has been classified as a Variant of Uncertain Significance.

NM_002778.4(PSAP):c.1081G>A (p.Val361Met)

Gene: PSAP (prosaposin; minus strand). Cytogenetic location: 10q22.1.
Variant type: single nucleotide variant.
Coding change: c.1081G>A on transcript NM_002778.4 (MANE Select); coding-DNA position 1081, G replaced by A.
Protein change: p.Val361Met; replaces valine 361 with methionine.
Molecular consequence: missense variant.
Genome position (GRCh38, 1-based): chr10:71,819,825, C>T on the plus strand (G>A on the coding strand, the complement: PSAP is on the minus strand). VCF-style: chr10-71819825-C-T. GRCh37 (hg19) VCF-style: chr10-73579582-C-T.
Other names: c.1090G>A, p.Val364Met (NM_001042465.3); c.1087G>A, p.Val363Met (NM_001042466.3); short protein forms V361M, V363M, V364M.
Identifiers: ClinVar variation 1351976 (VCV001351976.6), dbSNP rs2133031763, ClinGen allele CA377144530.